The following is an entry in ClinVar:

ClinVar aggregate classification (germline): Uncertain significance. Review status: criteria provided, multiple submitters, no conflicts (2 of 4 stars). 3 submissions from 3 submitters: Uncertain significance (3). Last evaluated 2025-04-30.

Conditions:
Dilated cardiomyopathy 1O (CMD1O). Also called: CARDIOMYOPATHY, DILATED, WITH VENTRICULAR TACHYCARDIA. Identifiers: Orphanet 154, MedGen C1837839, MONDO:0012062, OMIM 608569.
Cardiovascular phenotype. Identifiers: MedGen CN230736.

Allele frequency attached by ClinVar (database versions not stated): gnomAD exomes 0.00001 and 0.00002; TOPMed below 0.00001; ExAC 0.00001.
gnomAD v4.1: 36 of 1,613,136 alleles (0.0022%); highest among the groups gnomAD compares: Non-Finnish European, 0.0028%; no homozygotes.

Submissions (3):

Labcorp Genetics (formerly Invitae), Labcorp
Classification: Uncertain significance for Dilated cardiomyopathy 1O. Last evaluated: 2025-04-30. Review status: criteria provided, single submitter. Criteria: Invitae Variant Classification Sherloc (09022015). Collection method: clinical testing. Allele origin: germline.
Comment: This sequence change replaces leucine, which is neutral and non-polar, with arginine, which is basic and polar, at codon 1160 of the ABCC9 protein (p.Leu1160Arg). This variant is present in population databases (rs780799175, gnomAD 0.002%). This variant has not been reported in the literature in individuals affected with ABCC9-related conditions. ClinVar contains an entry for this variant (Variation ID: 838464). Invitae Evidence Modeling of protein sequence and biophysical properties (such as structural, functional, and spatial information, amino acid conservation, physicochemical variation, residue mobility, and thermodynamic stability) has been performed for this missense variant. However, the output from this modeling did not meet the statistical confidence thresholds required to predict the impact of this variant on ABCC9 protein function. In summary, the available evidence is currently insufficient to determine the role of this variant in disease. Therefore, it has been classified as a Variant of Uncertain Significance.

GeneDx
Classification: Uncertain significance. Last evaluated: 2021-04-23. Review status: criteria provided, single submitter. Criteria: GeneDx Variant Classification Process June 2021. Collection method: clinical testing. Allele origin: germline. Affected: yes.
Comment: Has not been previously published as pathogenic or benign to our knowledge; Reported in ClinVar as a variant of uncertain significance (ClinVar Variant ID#838464; Landrum et al., 2016); Not observed at a significant frequency in large population cohorts (Lek et al., 2016); In silico analysis supports that this missense variant has a deleterious effect on protein structure/function

Ambry Genetics
Classification: Uncertain significance for Cardiovascular phenotype. Last evaluated: 2020-02-05. Review status: criteria provided, single submitter. Criteria: Ambry Variant Classification Scheme 2023. Collection method: clinical testing. Allele origin: germline.
Comment: The p.L1160R variant (also known as c.3479T>G), located in coding exon 28 of the ABCC9 gene, results from a T to G substitution at nucleotide position 3479. The leucine at codon 1160 is replaced by arginine, an amino acid with dissimilar properties. This amino acid position is highly conserved in available vertebrate species. In addition, this alteration is predicted to be deleterious by in silico analysis. Since supporting evidence is limited at this time, the clinical significance of this alteration remains unclear.

NM_020297.4(ABCC9):c.3479T>G (p.Leu1160Arg)

Gene: ABCC9 (ATP binding cassette subfamily C member 9; minus strand). Cytogenetic location: 12p12.1.
Variant type: single nucleotide variant.
Coding change: c.3479T>G on transcript NM_020297.4 (MANE Select); coding-DNA position 3479, T replaced by G.
Protein change: p.Leu1160Arg; replaces leucine 1160 with arginine.
Molecular consequence: missense variant.
Genome position (GRCh38, 1-based): chr12:21,838,165, A>C on the plus strand (T>G on the coding strand, the complement: ABCC9 is on the minus strand). VCF-style: chr12-21838165-A-C. GRCh37 (hg19) VCF-style: chr12-21991099-A-C.
Other names: c.3479T>G, p.Leu1160Arg (NM_001377273.1, NM_005691.4); c.2612T>G, p.Leu871Arg (NM_001377274.1); short protein forms L871R, L1160R.
Identifiers: ClinVar variation 838464 (VCV000838464.13), dbSNP rs780799175, ClinGen allele CA6481102.